The following is an entry in ClinVar:

NM_001206927.2(DNAH8):c.13444A>C (p.Met4482Leu)

Gene: DNAH8 (dynein axonemal heavy chain 8; plus strand). Cytogenetic location: 6p21.2.
Variant type: single nucleotide variant.
Coding change: c.13444A>C on transcript NM_001206927.2 (MANE Select); coding-DNA position 13444, A replaced by C.
Protein change: p.Met4482Leu; replaces methionine 4482 with leucine.
Molecular consequence: missense variant.
Genome position (GRCh38, 1-based): chr6:39,012,287, A>C. VCF-style: chr6-39012287-A-C. GRCh37 (hg19) VCF-style: chr6-38980063-A-C.
Other names: c.12793A>C, p.Met4265Leu (NM_001371.4); short protein forms M4265L, M4482L.
Identifiers: ClinVar variation 1916519 (VCV001916519.5), dbSNP rs1241609542, ClinGen allele CA363993224.
Genomic context (GRCh38, chr6:39,012,287, plus strand): 5'-TTGATAAAGATGGGCCATCTTAATTCAATGAACATATTTCTTAGACAAGAAATTGACAGA[A>C]TGCAAAGAGTCATTTCAATACTCCGCAGTAGCCTGAGTGATCTAAAATTGGCCATTGAAG-3'
Protein context (NP_001193856.1, residues 4472-4492): NIFLRQEIDR[Met4482Leu]QRVISILRSS

ClinVar aggregate classification (germline): Uncertain significance (1 of 4 stars; one submission).

Conditions:
Primary ciliary dyskinesia. Also called: Ciliary dyskinesia. Identifiers: Orphanet 244, MedGen C0008780, MONDO:0016575, HP:0012265.

gnomAD v4.1: 1 of 1,612,836 alleles (0.000062%); highest among the groups gnomAD compares: Non-Finnish European, 0.000085%; no homozygotes.

Submission:

Labcorp Genetics (formerly Invitae), Labcorp
Classification: Uncertain significance for Primary ciliary dyskinesia. Last evaluated: 2022-08-12. Review status: criteria provided, single submitter. Criteria: Invitae Variant Classification Sherloc (09022015). Collection method: clinical testing. Allele origin: germline.
Comment: Algorithms developed to predict the effect of missense changes on protein structure and function are either unavailable or do not agree on the potential impact of this missense change (SIFT: "Deleterious"; PolyPhen-2: "Not Available"; Align-GVGD: "Class C0"). This sequence change replaces methionine, which is neutral and non-polar, with leucine, which is neutral and non-polar, at codon 4482 of the DNAH8 protein (p.Met4482Leu). This variant is not present in population databases (gnomAD no frequency). This variant has not been reported in the literature in individuals affected with DNAH8-related conditions. In summary, the available evidence is currently insufficient to determine the role of this variant in disease. Therefore, it has been classified as a Variant of Uncertain Significance.